The following is an entry in ClinVar:

ClinVar aggregate classification (germline): Uncertain significance. Review status: criteria provided, multiple submitters, no conflicts (2 of 4 stars). 3 submissions from 3 submitters: Uncertain significance (3). Last evaluated 2024-03-06.

Conditions:
Hypertrophic cardiomyopathy. Also called: HYPERTROPHIC MYOCARDIOPATHY. Identifiers: Orphanet 217569, MedGen C0007194, MeSH D002312, MONDO:0005045, HP:0001639.
Cardiomyopathy (CMYO). Also called: Cardiomyopathies. Identifiers: Orphanet 167848, MedGen C0878544, MONDO:0004994, HP:0001638. Inheritance: Various modes of inheritance.

gnomAD v4.1: 1 of 1,614,124 alleles (0.000062%); highest among the groups gnomAD compares: Non-Finnish European, 0.000085%; no homozygotes.

Submissions (3):

Color Diagnostics, LLC DBA Color Health
Classification: Uncertain significance for Cardiomyopathy. Last evaluated: 2024-03-06. Review status: criteria provided, single submitter. Criteria: ACMG Guidelines, 2015. Collection method: clinical testing. Allele origin: germline.
Comment: This missense variant replaces isoleucine with phenylalanine at codon 42 of the MYL3 protein. Computational prediction suggests that this variant may not impact protein structure and function (internally defined REVEL score threshold <= 0.5, PMID: 27666373). To our knowledge, functional studies have not been reported for this variant. This variant has not been reported in individuals affected with cardiovascular disorders in the literature. This variant has not been identified in the general population by the Genome Aggregation Database (gnomAD). The available evidence is insufficient to determine the role of this variant in disease conclusively. Therefore, this variant is classified as a Variant of Uncertain Significance.

All of Us Research Program, National Institutes of Health
Classification: Uncertain significance for Hypertrophic cardiomyopathy. Last evaluated: 2023-10-27. Review status: criteria provided, single submitter. Criteria: ACMG Guidelines, 2015. Collection method: clinical testing. Allele origin: germline. Inheritance: Autosomal dominant inheritance. Observed: 1 variant allele, 1 heterozygote.
Comment: This missense variant replaces isoleucine with phenylalanine at codon 42 of the MYL3 protein. Computational prediction suggests that this variant may not impact protein structure and function (internally defined REVEL score threshold <= 0.5, PMID: 27666373). To our knowledge, functional studies have not been reported for this variant. This variant has not been reported in individuals affected with cardiovascular disorders in the literature. This variant has not been identified in the general population by the Genome Aggregation Database (gnomAD). The available evidence is insufficient to determine the role of this variant in disease conclusively. Therefore, this variant is classified as a Variant of Uncertain Significance.

This study involves interpretation of variants in research participants for the purpose of population health screening. Participant phenotype was not available at the time of variant classification. Additional details can be found in publication PMID: 35346344, PMCID: PMC8962531

Labcorp Genetics (formerly Invitae), Labcorp
Classification: Uncertain significance for Hypertrophic cardiomyopathy. Last evaluated: 2022-03-22. Review status: criteria provided, single submitter. Criteria: Invitae Variant Classification Sherloc (09022015). Collection method: clinical testing. Allele origin: germline.
Comment: In summary, the available evidence is currently insufficient to determine the role of this variant in disease. Therefore, it has been classified as a Variant of Uncertain Significance. Algorithms developed to predict the effect of missense changes on protein structure and function are either unavailable or do not agree on the potential impact of this missense change (SIFT: "Tolerated"; PolyPhen-2: "Possibly Damaging"; Align-GVGD: "Class C0"). This variant has not been reported in the literature in individuals affected with MYL3-related conditions. This variant is not present in population databases (gnomAD no frequency). This sequence change replaces isoleucine, which is neutral and non-polar, with phenylalanine, which is neutral and non-polar, at codon 42 of the MYL3 protein (p.Ile42Phe).

NM_000258.3(MYL3):c.124A>T (p.Ile42Phe)

Gene: MYL3 (myosin light chain 3; minus strand). Cytogenetic location: 3p21.31.
Variant type: single nucleotide variant.
Coding change: c.124A>T on transcript NM_000258.3 (MANE Select); coding-DNA position 124, A replaced by T.
Protein change: p.Ile42Phe; replaces isoleucine 42 with phenylalanine.
Molecular consequence: missense variant.
Genome position (GRCh38, 1-based): chr3:46,863,267, T>A on the plus strand (A>T on the coding strand, the complement: MYL3 is on the minus strand). VCF-style: chr3-46863267-T-A. GRCh37 (hg19) VCF-style: chr3-46904757-T-A.
Other names: short protein forms I42F.
Identifiers: ClinVar variation 1386679 (VCV001386679.8), dbSNP rs1322033572, ClinGen allele CA352499475.